The following is an entry in ClinVar:

ClinVar aggregate classification (germline): Likely benign. Review status: criteria provided, multiple submitters, no conflicts (2 of 4 stars). 2 submissions from 2 submitters: Likely benign (2). Last evaluated 2025-07-09.

Allele frequency attached by ClinVar (database versions not stated): gnomAD exomes 0.00003; TOPMed 0.00003; gnomAD 0.00005.
gnomAD v4.1: 39 of 1,209,198 alleles (0.0032%); highest among the groups gnomAD compares: Non-Finnish European, 0.0042%; no homozygotes.

Submissions (2):

Labcorp Genetics (formerly Invitae), Labcorp
Classification: Likely benign. Last evaluated: 2025-07-09. Review status: criteria provided, single submitter. Criteria: Invitae Variant Classification Sherloc (09022015). Collection method: clinical testing. Allele origin: germline.

GeneDx
Classification: Likely benign. Last evaluated: 2015-10-28. Review status: criteria provided, single submitter. Criteria: GeneDx Variant Classification (06012015). Collection method: clinical testing. Allele origin: germline. Affected: yes.
Comment: This variant is considered likely benign or benign based on one or more of the following criteria: it is a conservative change, it occurs at a poorly conserved position in the protein, it is predicted to be benign by multiple in silico algorithms, and/or has population frequency not consistent with disease.

NM_000032.5(ALAS2):c.381G>A (p.Gly127=)

Genes: ALAS2 (5'-aminolevulinate synthase 2; minus strand), LOC108663984 (ALAS2 intron 1 and 3 erythroid regulatory elements; plus strand). Cytogenetic location: Xp11.21.
Variant type: single nucleotide variant.
Coding change: c.381G>A on transcript NM_000032.5 (MANE Select); coding-DNA position 381, G replaced by A.
Protein change: p.Gly127=; no amino-acid change (glycine 127 retained).
Molecular consequence: synonymous variant. On other transcripts: intron variant (2).
Genome position (GRCh38, 1-based): chrX:55,023,791, C>T on the plus strand (G>A on the coding strand, the complement: ALAS2 is on the minus strand). VCF-style: chrX-55023791-C-T. GRCh37 (hg19) VCF-style: chrX-55050224-C-T.
Other names: c.381G>A, p.Gly127= (LRG_1163t1); c.304+927G>A (NM_001037967.4); c.376+927G>A (NM_001037968.4).
Identifiers: ClinVar variation 381284 (VCV000381284.3), dbSNP rs1057521007, ClinGen allele CA16608891.
Genomic context (GRCh38, chrX:55,023,791, plus strand): 5'-CTTTTTTTCCACCTCAGCAAACTCACCAGGCATATTGTTCTGAATCAGGTGTGTGACCTT[C>T]CCAGAGATCTGCTCCTGCTCCTGGGGACCGGAAAATGGCTTCCTTAGGCTGACTGAGACC-3'
Protein context (NP_000023.2, residues 117-137): SGPQEQEQIS[Gly127=]KVTHLIQNNM